The following is an entry in ClinVar:

ClinVar aggregate classification (germline): Uncertain significance (1 of 4 stars; one submission).

Submission:

GeneDx
Classification: Uncertain significance. Last evaluated: 2025-03-11. Review status: criteria provided, single submitter. Criteria: GeneDx Variant Classification Process June 2021. Collection method: clinical testing. Allele origin: germline. Affected: yes.
Comment: Not observed in large population cohorts (gnomAD); Frameshift variant predicted to result in abnormal protein length as the last 20 amino acids are replaced with 2 different amino acids with an unclear effect on protein function; Has not been previously published as pathogenic or benign to our knowledge

NM_001378328.1(CELSR1):c.8984del (p.Val2995fs)

Gene: CELSR1 (cadherin EGF LAG seven-pass G-type receptor 1; minus strand). Cytogenetic location: 22q13.31.
Variant type: Deletion.
Coding change: c.8984del on transcript NM_001378328.1 (MANE Select); coding-DNA position 8984, one base deleted (T; older notation c.8984delT).
Protein change: p.Val2995fs; shifts the reading frame from valine 2995.
Molecular consequence: frameshift variant.
Genome position (GRCh38, 1-based): chr22:46,364,047, A deleted on the plus strand (T on the coding strand, the reverse complement: CELSR1 is on the minus strand). VCF-style (leftmost placement, unchanged base first): chr22-46364046-CA-C. GRCh37 (hg19) VCF-style: chr22-46759943-CA-C.
Other names: c.8984del, p.Val2995fs (NM_014246.4); short protein forms V2995fs.
Identifiers: ClinVar variation 4083417 (VCV004083417.1).
Genomic context (GRCh38, chr22:46,364,046, plus strand): 5'-GGCTACTCACTCAGAGTCGGAGCCATCGGCCTGGGCGCTCCCAGTGCGCACATTCATGGC[CA>C]CCCCGTTGAGGTGGTCACGCCCCGGCTCCCTCCCAGGGCTCTTGACTGTGATGGCGCAGT-3'